The following is an entry in ClinVar:

ClinVar aggregate classification (germline): Uncertain significance. Review status: criteria provided, multiple submitters, no conflicts (2 of 4 stars). 2 submissions from 2 submitters: Uncertain significance (2). Last evaluated 2024-11-10.

Conditions:
Neurofibromatosis, type 2 (SWNV). Also called: BILATERAL ACOUSTIC NEUROFIBROMATOSIS; SCHWANNOMATOSIS, VESTIBULAR; NF2-Related Schwannomatosis. Identifiers: Orphanet 637, MedGen C0027832, MONDO:0007039, OMIM 101000. Disease mechanism: loss of function.
Hereditary cancer-predisposing syndrome. Also called: Tumor predisposition; Hereditary Cancer Syndrome; Hereditary neoplastic syndrome; Neoplastic Syndromes, Hereditary. Identifiers: Orphanet 140162, MedGen C0027672, MeSH D009386, MONDO:0015356.

Allele frequency attached by ClinVar (database versions not stated): gnomAD exomes below 0.00001.

Submissions (2):

Labcorp Genetics (formerly Invitae), Labcorp
Classification: Uncertain significance for Neurofibromatosis, type 2. Last evaluated: 2024-11-10. Review status: criteria provided, single submitter. Criteria: Invitae Variant Classification Sherloc (09022015). Collection method: clinical testing. Allele origin: germline.
Comment: This sequence change replaces aspartic acid, which is acidic and polar, with asparagine, which is neutral and polar, at codon 354 of the NF2 protein (p.Asp354Asn). This variant is present in population databases (no rsID available, gnomAD 0.0009%). This variant has not been reported in the literature in individuals affected with NF2-related conditions. ClinVar contains an entry for this variant (Variation ID: 818321). Invitae Evidence Modeling of protein sequence and biophysical properties (such as structural, functional, and spatial information, amino acid conservation, physicochemical variation, residue mobility, and thermodynamic stability) indicates that this missense variant is not expected to disrupt NF2 protein function with a negative predictive value of 80%. In summary, the available evidence is currently insufficient to determine the role of this variant in disease. Therefore, it has been classified as a Variant of Uncertain Significance.

Ambry Genetics
Classification: Uncertain significance for Hereditary cancer-predisposing syndrome. Last evaluated: 2019-10-21. Review status: criteria provided, single submitter. Criteria: Ambry Variant Classification Scheme 2023. Collection method: clinical testing. Allele origin: germline.
Comment: The p.D354N variant (also known as c.1060G>A), located in coding exon 11 of the NF2 gene, results from a G to A substitution at nucleotide position 1060. The aspartic acid at codon 354 is replaced by asparagine, an amino acid with highly similar properties. This amino acid position is well conserved in available vertebrate species. In addition, this alteration is predicted to be tolerated by in silico analysis. Since supporting evidence is limited at this time, the clinical significance of this alteration remains unclear.

NM_000268.4(NF2):c.1060G>A (p.Asp354Asn)

Gene: NF2 (NF2, moesin-ezrin-radixin like (MERLIN) tumor suppressor; plus strand). Cytogenetic location: 22q12.2.
Variant type: single nucleotide variant.
Coding change: c.1060G>A on transcript NM_000268.4 (MANE Select); coding-DNA position 1060, G replaced by A.
Protein change: p.Asp354Asn; replaces aspartic acid 354 with asparagine.
Molecular consequence: missense variant. On other transcripts: non-coding transcript variant (1), intron variant (1).
Genome position (GRCh38, 1-based): chr22:29,671,886, G>A. VCF-style: chr22-29671886-G-A. GRCh37 (hg19) VCF-style: chr22-30067875-G-A.
Other names: c.1060G>A, p.Asp354Asn (NM_016418.5, NM_181825.3, NM_181832.3); c.934G>A, p.Asp312Asn (NM_181828.3); c.937G>A, p.Asp313Asn (NM_181829.3); c.811G>A, p.Asp271Asn (NM_181830.3, NM_181831.3); c.448-22866G>A (NM_181833.3); short protein forms D313N, D354N, D271N, D312N.
Identifiers: ClinVar variation 818321 (VCV000818321.7), dbSNP rs1435353346, ClinGen allele CA411146946.